The following is an entry in ClinVar:

ClinVar aggregate classification (germline): Likely benign. Review status: criteria provided, multiple submitters, no conflicts (2 of 4 stars). 3 submissions from 3 submitters: Likely benign (3). Last evaluated 2024-12-19.

Conditions:
TRPM1-related disorder. Also called: TRPM1-related condition.

Allele frequency attached by ClinVar (database versions not stated): gnomAD exomes 0.00001 and 0.00004; ExAC 0.00004; TOPMed 0.00004; gnomAD 0.00005.
gnomAD v4.1: 22 of 1,613,978 alleles (0.0014%); highest among the groups gnomAD compares: East Asian, 0.036%; no homozygotes.

Submissions (3):

PreventionGenetics, part of Exact Sciences
Classification: Likely benign for TRPM1-related condition. Last evaluated: 2024-12-19. Review status: criteria provided, single submitter. Criteria: ACMG Guidelines, 2015. Collection method: clinical testing. Allele origin: germline.
Comment: This variant is classified as likely benign based on ACMG/AMP sequence variant interpretation guidelines (Richards et al. 2015 PMID: 25741868, with internal and published modifications).

Labcorp Genetics (formerly Invitae), Labcorp
Classification: Likely benign. Last evaluated: 2023-11-27. Review status: criteria provided, single submitter. Criteria: Invitae Variant Classification Sherloc (09022015). Collection method: clinical testing. Allele origin: germline.

Blueprint Genetics
Classification: Likely benign. Last evaluated: 2020-11-30. Review status: criteria provided, single submitter. Criteria: ACMG Guidelines, 2015. Collection method: clinical testing. Allele origin: germline.

NM_001252024.2(TRPM1):c.1162+8C>T

Gene: TRPM1 (transient receptor potential cation channel subfamily M member 1; minus strand). Cytogenetic location: 15q13.3.
Variant type: single nucleotide variant.
Coding change: c.1162+8C>T on transcript NM_001252024.2 (MANE Select); 8 bases into the intron after coding-DNA position 1162, C replaced by T.
Molecular consequence: intron variant.
Genome position (GRCh38, 1-based): chr15:31,061,434, G>A on the plus strand (C>T on the coding strand, the complement: TRPM1 is on the minus strand). VCF-style: chr15-31061434-G-A. GRCh37 (hg19) VCF-style: chr15-31353637-G-A.
Other names: c.1213+8C>T (NM_001252020.1, NM_001252020.2); c.1096+8C>T (NM_002420.6).
Identifiers: ClinVar variation 1628563 (VCV001628563.10), dbSNP rs771126850, ClinGen allele CA7452676.